The following is an entry in ClinVar:

ClinVar aggregate classification (germline): Uncertain significance (1 of 4 stars; one submission).

Allele frequency attached by ClinVar (database versions not stated): ESP Exome Variant Server 0.00008; ExAC 0.00012; gnomAD exomes 0.00014 and 0.00015; gnomAD 0.00018 and 0.00019; TOPMed 0.00022; 1000 Genomes Project 0.00040; 1000 Genomes Project 30x 0.00047.
gnomAD v4.1: 235 of 1,614,024 alleles (0.015%); highest among the groups gnomAD compares: Admixed American, 0.072%; no homozygotes.

Submission:

Labcorp Genetics (formerly Invitae), Labcorp
Classification: Uncertain significance. Last evaluated: 2022-08-23. Review status: criteria provided, single submitter. Criteria: Invitae Variant Classification Sherloc (09022015). Collection method: clinical testing. Allele origin: germline.
Comment: This sequence change replaces valine, which is neutral and non-polar, with isoleucine, which is neutral and non-polar, at codon 223 of the VPS33A protein (p.Val223Ile). This variant is present in population databases (rs373733055, gnomAD 0.06%). This variant has not been reported in the literature in individuals affected with VPS33A-related conditions. ClinVar contains an entry for this variant (Variation ID: 1410687). Algorithms developed to predict the effect of missense changes on protein structure and function (SIFT, PolyPhen-2, Align-GVGD) all suggest that this variant is likely to be tolerated. In summary, the available evidence is currently insufficient to determine the role of this variant in disease. Therefore, it has been classified as a Variant of Uncertain Significance.

NM_022916.6(VPS33A):c.667G>A (p.Val223Ile)

Gene: VPS33A (VPS33A core subunit of CORVET and HOPS complexes; minus strand). Cytogenetic location: 12q24.31.
Variant type: single nucleotide variant.
Coding change: c.667G>A on transcript NM_022916.6 (MANE Select); coding-DNA position 667, G replaced by A.
Protein change: p.Val223Ile; replaces valine 223 with isoleucine.
Molecular consequence: missense variant.
Genome position (GRCh38, 1-based): chr12:122,249,979, C>T on the plus strand (G>A on the coding strand, the complement: VPS33A is on the minus strand). VCF-style: chr12-122249979-C-T. GRCh37 (hg19) VCF-style: chr12-122734526-C-T.
Other names: c.634G>A, p.Val212Ile (NM_001351018.2); c.619G>A, p.Val207Ile (NM_001351019.2); c.667G>A, p.Val223Ile (NM_001351020.2); short protein forms V207I, V212I, V223I.
Identifiers: ClinVar variation 1410687 (VCV001410687.3), dbSNP rs373733055, ClinGen allele CA6844528.